The following is an entry in ClinVar:

ClinVar aggregate classification (germline): Likely pathogenic (1 of 4 stars; one submission).

Submission:

Laboratorio de Genetica e Diagnostico Molecular, Hospital Israelita Albert Einstein
Classification: Likely pathogenic. Last evaluated: 2019-12-18. Review status: criteria provided, single submitter. Criteria: ACMG Guidelines, 2015. Collection method: clinical testing. Allele origin: germline. Affected: yes.
Comment: ACMG classification criteria: PVS1, PM2

NM_001347721.2(DYRK1A):c.343G>T (p.Gly115Ter)

Gene: DYRK1A (dual specificity tyrosine phosphorylation regulated kinase 1A; plus strand). Cytogenetic location: 21q22.13.
Variant type: single nucleotide variant.
Coding change: c.343G>T on transcript NM_001347721.2 (MANE Select); coding-DNA position 343, G replaced by T.
Protein change: p.Gly115Ter; replaces glycine 115 with a stop codon.
Molecular consequence: nonsense.
Genome position (GRCh38, 1-based): chr21:37,480,680, G>T. VCF-style: chr21-37480680-G-T. GRCh37 (hg19) VCF-style: chr21-38852982-G-T.
Other names: c.343G>T, p.Gly115Ter (NM_001347722.2, NM_130436.2); c.256G>T, p.Gly86Ter (NM_001347723.2); c.370G>T, p.Gly124Ter (NM_001396.5, NM_101395.2, NM_130438.2); short protein forms G115*, G124*, G86*.
Identifiers: ClinVar variation 1690753 (VCV001690753.2), dbSNP rs1555980252, ClinGen allele CA409944084.